The following is an entry in ClinVar:

ClinVar aggregate classification (germline): Pathogenic/Likely pathogenic. Review status: criteria provided, multiple submitters, no conflicts (2 of 4 stars). 3 submissions from 3 submitters: Pathogenic (1); Likely pathogenic (2). Last evaluated 2025-11-20.

Conditions:
Joubert syndrome 21 (JBTS21). Identifiers: MedGen C3810212, MONDO:0014288, OMIM 615636.

Allele frequency attached by ClinVar (database versions not stated): gnomAD exomes below 0.00001.
gnomAD v4.1: 1 of 1,552,830 alleles (0.000064%); highest among the groups gnomAD compares: Non-Finnish European, 0.000089%; no homozygotes.

Submissions (3):

GeneDx
Classification: Likely pathogenic. Last evaluated: 2025-11-20. Review status: criteria provided, single submitter. Criteria: GeneDx Variant Classification Process June 2021. Collection method: clinical testing. Allele origin: germline. Affected: yes.
Comment: Reported in study on carrier frequency for autosomal recessive inherited retinal diseases; however, detailed clinical information was not provided (PMID: 31964843); Nonsense variant predicted to result in protein truncation or nonsense mediated decay in a gene for which loss of function is a known mechanism of disease; Not observed at significant frequency in large population cohorts (gnomAD); This variant is associated with the following publications: (PMID: 31964843)

Labcorp Genetics (formerly Invitae), Labcorp
Classification: Pathogenic for Joubert syndrome 21. Last evaluated: 2023-10-05. Review status: criteria provided, single submitter. Criteria: Invitae Variant Classification Sherloc (09022015). Collection method: clinical testing. Allele origin: germline.
Comment: This sequence change creates a premature translational stop signal (p.Tyr735*) in the CSPP1 gene. It is expected to result in an absent or disrupted protein product. Loss-of-function variants in CSPP1 are known to be pathogenic (PMID: 24360807, 24360808). This variant is present in population databases (no rsID available, gnomAD 0.0009%). This variant has not been reported in the literature in individuals affected with CSPP1-related conditions. ClinVar contains an entry for this variant (Variation ID: 434847). Algorithms developed to predict the effect of sequence changes on RNA splicing suggest that this variant may disrupt the consensus splice site. For these reasons, this variant has been classified as Pathogenic.

Genetic Services Laboratory, University of Chicago
Classification: Likely pathogenic for Joubert syndrome 21. Last evaluated: 2016-03-16. Review status: criteria provided, single submitter. Criteria: ACMG Guidelines, 2015. Collection method: clinical testing. Allele origin: germline. Affected: yes.

Literature cited by the submitters: PubMed 24360807 (cited by Labcorp Genetics (formerly Invitae), Labcorp); PubMed 24360808 (cited by Labcorp Genetics (formerly Invitae), Labcorp).

NM_001382391.1(CSPP1):c.2220C>A (p.Tyr740Ter)

Gene: CSPP1 (centrosome and spindle pole associated protein 1; plus strand). Cytogenetic location: 8q13.2.
Variant type: single nucleotide variant.
Coding change: c.2220C>A on transcript NM_001382391.1 (MANE Select); coding-DNA position 2220, C replaced by A.
Protein change: p.Tyr740Ter; replaces tyrosine 740 with a stop codon.
Molecular consequence: nonsense.
Genome position (GRCh38, 1-based): chr8:67,154,115, C>A. VCF-style: chr8-67154115-C-A. GRCh37 (hg19) VCF-style: chr8-68066350-C-A.
Other names: c.1170C>A, p.Tyr390Ter (NM_001291339.2); c.2139C>A, p.Tyr713Ter (NM_001363131.2); c.2025C>A, p.Tyr675Ter (NM_001363132.2); c.1944C>A, p.Tyr648Ter (NM_001363133.2); c.2286C>A, p.Tyr762Ter (NM_001364869.1); c.2106C>A, p.Tyr702Ter (NM_001364870.1); c.2205C>A, p.Tyr735Ter (NM_024790.7); short protein forms Y735*, Y675*, Y702*, Y648*, Y762*, Y390*, Y713*, Y740*.
Identifiers: ClinVar variation 434847 (VCV000434847.16), dbSNP rs1402669959, ClinGen allele CA371188037.